The following is an entry in ClinVar:

NM_000020.3(ACVRL1):c.287A>G (p.Asn96Ser)

Gene: ACVRL1 (activin A receptor like type 1; plus strand). Cytogenetic location: 12q13.13.
Variant type: single nucleotide variant.
Coding change: c.287A>G on transcript NM_000020.3 (MANE Select); coding-DNA position 287, A replaced by G.
Protein change: p.Asn96Ser; replaces asparagine 96 with serine.
Molecular consequence: missense variant.
Genome position (GRCh38, 1-based): chr12:51,913,324, A>G. VCF-style: chr12-51913324-A-G. GRCh37 (hg19) VCF-style: chr12-52307108-A-G.
Other names: c.287A>G, p.Asn96Ser (NM_001077401.2, NM_001406487.1, NM_001406488.1 and 6 more transcripts); short protein forms N96S.
Identifiers: ClinVar variation 1797148 (VCV001797148.3), dbSNP rs2540159181, ClinGen allele CA384898086.

ClinVar aggregate classification (germline): Pathogenic/Likely pathogenic. Review status: criteria provided, multiple submitters, no conflicts (2 of 4 stars). 2 submissions from 2 submitters: Pathogenic (1); Likely pathogenic (1). Last evaluated 2025-11-18.

Conditions:
Telangiectasia, hereditary hemorrhagic, type 2 (HHT2). Also called: Telangiectasia, hereditary hemorrhagic, type II; ACVRL1-Related Hereditary Hemorrhagic Telangiectasia. Identifiers: Orphanet 774, MedGen C1838163, MONDO:0010880, OMIM 600376. Disease mechanism: loss of function.
Cardiovascular phenotype. Identifiers: MedGen CN230736.

Submissions (2):

Labcorp Genetics (formerly Invitae), Labcorp
Classification: Pathogenic for Telangiectasia, hereditary hemorrhagic, type 2. Last evaluated: 2025-11-18. Review status: criteria provided, single submitter. Criteria: Invitae Variant Classification Sherloc (09022015). Collection method: clinical testing. Allele origin: germline.
Comment: This sequence change replaces asparagine, which is neutral and polar, with serine, which is neutral and polar, at codon 96 of the ACVRL1 protein (p.Asn96Ser). This variant is not present in population databases (gnomAD no frequency). This missense change has been observed in individual(s) with hereditary hemorrhagic telangiectasia (PMID: 20414677, 22781769). This variant is also known as p.Asn96Ger. ClinVar contains an entry for this variant (Variation ID: 1797148). Invitae Evidence Modeling of protein sequence and biophysical properties (such as structural, functional, and spatial information, amino acid conservation, physicochemical variation, residue mobility, and thermodynamic stability) indicates that this missense variant is expected to disrupt ACVRL1 protein function with a positive predictive value of 95%. This variant disrupts the p.Asn96 amino acid residue in ACVRL1. Other variant(s) that disrupt this residue have been determined to be pathogenic (PMID: 10694922, 20501893, 23124896). This suggests that this residue is clinically significant, and that variants that disrupt this residue are likely to be disease-causing. For these reasons, this variant has been classified as Pathogenic.

Ambry Genetics
Classification: Likely pathogenic for Cardiovascular phenotype. Last evaluated: 2022-09-16. Review status: criteria provided, single submitter. Criteria: Ambry Variant Classification Scheme 2023. Collection method: clinical testing. Allele origin: germline.
Comment: The p.N96S variant (also known as c.287A>G), located in coding exon 2 of the ACVRL1 gene, results from an A to G substitution at nucleotide position 287. The asparagine at codon 96 is replaced by serine, an amino acid with highly similar properties. This variant has been reported in multiple individuals with clinical features of hereditary hemorrhagic telangiectasia (Richards-Yutz J et al. Hum Genet, 2010 Jul;128:61-77; Jia JJ et al. Zhonghua Yi Xue Za Zhi, 2012 Apr;92:1107-11; Ambry internal data). Based on internal structural analysis, N96S is more disruptive to the extracellular N-terminal domain of ACVRL1 than several nearby internally pathogenic variants (Townson SA et al. J Biol Chem, 2012 Aug;287:27313-25; Salmon RM et al. Nat Commun, 2020 04;11:1621). This amino acid position is highly conserved in available vertebrate species. In addition, this variant is considered to be rare based on population cohorts in the Genome Aggregation Database (gnomAD). Based on the majority of available evidence to date, this variant is likely to be pathogenic.

Literature cited by the submitters: PubMed 20414677 (cited by Labcorp Genetics (formerly Invitae), Labcorp and Ambry Genetics); PubMed 22781769 (cited by Labcorp Genetics (formerly Invitae), Labcorp and Ambry Genetics); PubMed 10694922 (cited by Labcorp Genetics (formerly Invitae), Labcorp); PubMed 20501893 (cited by Labcorp Genetics (formerly Invitae), Labcorp); PubMed 23124896 (cited by Labcorp Genetics (formerly Invitae), Labcorp and Ambry Genetics); PubMed 22028876 (cited by Ambry Genetics); PubMed 22718755 (cited by Ambry Genetics); PubMed 32238803 (cited by Ambry Genetics).